The following is an entry in ClinVar:

NM_018297.4(NGLY1):c.774G>T (p.Arg258Ser)

Gene: NGLY1 (N-glycanase 1; minus strand). Cytogenetic location: 3p24.2.
Variant type: single nucleotide variant.
Coding change: c.774G>T on transcript NM_018297.4 (MANE Select); coding-DNA position 774, G replaced by T.
Protein change: p.Arg258Ser; replaces arginine 258 with serine.
Molecular consequence: missense variant.
Genome position (GRCh38, 1-based): chr3:25,739,684, C>A on the plus strand (G>T on the coding strand, the complement: NGLY1 is on the minus strand). VCF-style: chr3-25739684-C-A. GRCh37 (hg19) VCF-style: chr3-25781175-C-A.
Other names: c.774G>T, p.Arg258Ser (NM_001145293.2, NM_001145295.2); c.648G>T, p.Arg216Ser (NM_001145294.2); short protein forms R216S, R258S.
Identifiers: ClinVar variation 1413140 (VCV001413140.8), dbSNP rs1706027866, ClinGen allele CA351903640.
Genomic context (GRCh38, chr3:25,739,684, plus strand): 5'-CACTTCCTTTGCACCCCACTTCAGCTCATCATCACTGGGCAGTAATGATCTATCTCTAGA[C>A]CTAGTCTGTCCACCACATTTGCTGCACAAAACGTTATTCACCCAGTGAAAAAATTCTTCC-3'
Protein context (NP_060767.2, residues 248-268): VLCSKCGGQT[Arg258Ser]SRDRSLLPSD

ClinVar aggregate classification (germline): Uncertain significance (1 of 4 stars; one submission).

Conditions:
Congenital disorder of deglycosylation (CDDG). Identifiers: MedGen C3808991, MONDO:0031376.

Submission:

Labcorp Genetics (formerly Invitae), Labcorp
Classification: Uncertain significance for Congenital disorder of deglycosylation. Last evaluated: 2021-03-08. Review status: criteria provided, single submitter. Criteria: Invitae Variant Classification Sherloc (09022015). Collection method: clinical testing. Allele origin: germline.
Comment: This sequence change replaces arginine with serine at codon 258 of the NGLY1 protein (p.Arg258Ser). The arginine residue is weakly conserved and there is a moderate physicochemical difference between arginine and serine. This variant is not present in population databases (ExAC no frequency). This variant has not been reported in the literature in individuals with NGLY1-related conditions. Algorithms developed to predict the effect of missense changes on protein structure and function (SIFT, PolyPhen-2, Align-GVGD) all suggest that this variant is likely to be tolerated, but these predictions have not been confirmed by published functional studies and their clinical significance is uncertain. In summary, the available evidence is currently insufficient to determine the role of this variant in disease. Therefore, it has been classified as a Variant of Uncertain Significance.